The following is an entry in ClinVar:

ClinVar aggregate classification (germline): Conflicting classifications of pathogenicity. Review status: criteria provided, conflicting classifications (1 of 4 stars). 3 submissions from 3 submitters: Uncertain significance (2); Likely benign (1). Last evaluated 2025-07-17.

Conditions:
Autosomal recessive severe congenital neutropenia due to CSF3R deficiency. Also called: Neutropenia, severe congenital, 7, autosomal recessive. Identifiers: Orphanet 420702, MedGen C4310764, MONDO:0014865, OMIM 617014.
CSF3R-related disorder. Also called: CSF3R-related condition.

Allele frequency attached by ClinVar (database versions not stated): ExAC 0.00001; TOPMed 0.00001; gnomAD exomes 0.00002.
gnomAD v4.1: 26 of 1,614,164 alleles (0.0016%); highest among the groups gnomAD compares: East Asian, 0.0022%; no homozygotes.

Submissions (3):

PreventionGenetics, part of Exact Sciences
Classification: Uncertain significance for CSF3R-related condition. Last evaluated: 2025-07-17. Review status: criteria provided, single submitter. Criteria: ACMG Guidelines, 2015. Collection method: clinical testing. Allele origin: germline.
Comment: The CSF3R c.544G>A variant is predicted to result in the amino acid substitution p.Gly182Arg. To our knowledge, this variant has not been reported in the literature. This variant is reported in 0.0018% of alleles in individuals of European (Non-Finnish) descent in gnomAD. At this time, the clinical significance of this variant is uncertain due to the absence of conclusive functional and genetic evidence.

Labcorp Genetics (formerly Invitae), Labcorp
Classification: Uncertain significance for Autosomal recessive severe congenital neutropenia due to CSF3R deficiency. Last evaluated: 2025-06-18. Review status: criteria provided, single submitter. Criteria: Invitae Variant Classification Sherloc (09022015). Collection method: clinical testing. Allele origin: germline.
Comment: This sequence change replaces glycine, which is neutral and non-polar, with arginine, which is basic and polar, at codon 182 of the CSF3R protein (p.Gly182Arg). This variant is present in population databases (rs779773667, gnomAD 0.0009%). This variant has not been reported in the literature in individuals affected with CSF3R-related conditions. ClinVar contains an entry for this variant (Variation ID: 2077623). Invitae Evidence Modeling of protein sequence and biophysical properties (such as structural, functional, and spatial information, amino acid conservation, physicochemical variation, residue mobility, and thermodynamic stability) indicates that this missense variant is not expected to disrupt CSF3R protein function with a negative predictive value of 80%. In summary, the available evidence is currently insufficient to determine the role of this variant in disease. Therefore, it has been classified as a Variant of Uncertain Significance.

Blueprint Genetics
Classification: Likely benign. Last evaluated: 2022-09-16. Review status: criteria provided, single submitter. Criteria: ACMG Guidelines, 2015. Collection method: clinical testing. Allele origin: germline.

NM_000760.4(CSF3R):c.544G>A (p.Gly182Arg)

Gene: CSF3R (colony stimulating factor 3 receptor; minus strand). Cytogenetic location: 1p34.3.
Variant type: single nucleotide variant.
Coding change: c.544G>A on transcript NM_000760.4 (MANE Select); coding-DNA position 544, G replaced by A.
Protein change: p.Gly182Arg; replaces glycine 182 with arginine.
Molecular consequence: missense variant.
Genome position (GRCh38, 1-based): chr1:36,473,564, C>T on the plus strand (G>A on the coding strand, the complement: CSF3R is on the minus strand). VCF-style: chr1-36473564-C-T. GRCh37 (hg19) VCF-style: chr1-36939165-C-T.
Other names: c.544G>A, p.Gly182Arg (NM_156039.3, NM_172313.3); c.544G>A (NM_000760.3); short protein forms G182R.
Identifiers: ClinVar variation 2077623 (VCV002077623.6), dbSNP rs779773667, ClinGen allele CA769437.